The following is an entry in ClinVar:

ClinVar aggregate classification (germline): Uncertain significance (1 of 4 stars; one submission).

Submission:

Labcorp Genetics (formerly Invitae), Labcorp
Classification: Uncertain significance. Last evaluated: 2025-05-17. Review status: criteria provided, single submitter. Criteria: Invitae Variant Classification Sherloc (09022015). Collection method: clinical testing. Allele origin: germline.
Comment: This sequence change replaces methionine, which is neutral and non-polar, with arginine, which is basic and polar, at codon 270 of the RELA protein (p.Met270Arg). This variant is not present in population databases (gnomAD no frequency). This variant has not been reported in the literature in individuals affected with RELA-related conditions. An algorithm developed to predict the effect of missense changes on protein structure and function (PolyPhen-2) suggests that this variant is likely to be disruptive. In summary, the available evidence is currently insufficient to determine the role of this variant in disease. Therefore, it has been classified as a Variant of Uncertain Significance.

NM_021975.4(RELA):c.809T>G (p.Met270Arg)

Gene: RELA (RELA proto-oncogene, NF-kB subunit; minus strand). Cytogenetic location: 11q13.1.
Variant type: single nucleotide variant.
Coding change: c.809T>G on transcript NM_021975.4 (MANE Select); coding-DNA position 809, T replaced by G.
Protein change: p.Met270Arg; replaces methionine 270 with arginine.
Molecular consequence: missense variant. On other transcripts: intron variant (2).
Genome position (GRCh38, 1-based): chr11:65,658,355, A>C on the plus strand (T>G on the coding strand, the complement: RELA is on the minus strand). VCF-style: chr11-65658355-A-C. GRCh37 (hg19) VCF-style: chr11-65425826-A-C.
Other names: c.800T>G, p.Met267Arg (NM_001145138.2); c.809T>G, p.Met270Arg (NM_001243984.2, NM_001243985.2); c.842T>G, p.Met281Arg (NM_001404657.1); c.782T>G, p.Met261Arg (NM_001404658.1); c.428T>G, p.Met143Arg (NM_001404661.1); c.716T>G, p.Met239Arg (NM_001404662.1, NM_001404663.1); c.559+1311T>G (NM_001404660.1); c.664+363T>G (NM_001404659.1); short protein forms M267R, M261R, M270R, M143R, M239R, M281R.
Identifiers: ClinVar variation 4719384 (VCV004719384.1).